The following is an entry in ClinVar:

NM_018941.4(CLN8):c.385C>T (p.Arg129Trp)

Gene: CLN8 (CLN8 transmembrane ER and ERGIC protein; plus strand). Cytogenetic location: 8p23.3.
Variant type: single nucleotide variant.
Coding change: c.385C>T on transcript NM_018941.4 (MANE Select); coding-DNA position 385, C replaced by T.
Protein change: p.Arg129Trp; replaces arginine 129 with tryptophan.
Molecular consequence: missense variant.
Genome position (GRCh38, 1-based): chr8:1,771,439, C>T. VCF-style: chr8-1771439-C-T. GRCh37 (hg19) VCF-style: chr8-1719605-C-T.
Other names: short protein forms R129W.
Identifiers: ClinVar variation 195344 (VCV000195344.16), dbSNP rs143694317, ClinGen allele CA241750.

ClinVar aggregate classification (germline): Conflicting classifications of pathogenicity. Review status: criteria provided, conflicting classifications (1 of 4 stars). 6 submissions from 6 submitters: Uncertain significance (4); Likely benign (1). 1 of the submissions does not count toward it. Last evaluated 2023-09-12.

Conditions:
Inborn genetic diseases. Identifiers: MedGen C0950123, MeSH D030342.
Neuronal ceroid lipofuscinosis. Also called: Neuronal Ceroid Lipofuscinoses. Identifiers: Orphanet 216, Orphanet 79263, MedGen C0027877, MONDO:0016295. Disease mechanism: loss of function.
Neuronal ceroid lipofuscinosis 8 (CLN8). Also called: CLN8-Related Neuronal Ceroid-Lipofuscinosis. Identifiers: Orphanet 168491, Orphanet 228354, Orphanet 79264, MedGen C1838570, MONDO:0010830, OMIM 600143.

Allele frequency attached by ClinVar (database versions not stated): TOPMed 0.00003; gnomAD 0.00004 and 0.00005; ExAC 0.00005; gnomAD exomes 0.00006 and 0.00010; ESP Exome Variant Server 0.00008; 1000 Genomes Project 30x 0.00016; 1000 Genomes Project 0.00020.
gnomAD v4.1: 160 of 1,614,206 alleles (0.0099%); highest among the groups gnomAD compares: South Asian, 0.014%; 2 homozygotes.

Submissions (6):

Blueprint Genetics
Classification: Likely benign. Last evaluated: 2023-09-12. Review status: criteria provided, single submitter. Criteria: ACMG Guidelines, 2015. Collection method: clinical testing. Allele origin: germline.

Labcorp Genetics (formerly Invitae), Labcorp
Classification: Uncertain significance for Neuronal ceroid lipofuscinosis. Last evaluated: 2022-09-07. Review status: criteria provided, single submitter. Criteria: Invitae Variant Classification Sherloc (09022015). Collection method: clinical testing. Allele origin: germline.
Comment: This sequence change replaces arginine, which is basic and polar, with tryptophan, which is neutral and slightly polar, at codon 129 of the CLN8 protein (p.Arg129Trp). This variant is present in population databases (rs143694317, gnomAD 0.02%). This variant has not been reported in the literature in individuals affected with CLN8-related conditions. ClinVar contains an entry for this variant (Variation ID: 195344). Advanced modeling of protein sequence and biophysical properties (such as structural, functional, and spatial information, amino acid conservation, physicochemical variation, residue mobility, and thermodynamic stability) performed at Invitae indicates that this missense variant is not expected to disrupt CLN8 protein function. In summary, the available evidence is currently insufficient to determine the role of this variant in disease. Therefore, it has been classified as a Variant of Uncertain Significance.

GeneDx
Classification: Uncertain significance. Last evaluated: 2020-06-22. Review status: criteria provided, single submitter. Criteria: GeneDx Variant Classification Process June 2021. Collection method: clinical testing. Allele origin: germline. Affected: yes.
Comment: In silico analysis supports that this missense variant does not alter protein structure/function; Has not been previously published as pathogenic or benign to our knowledge

Ambry Genetics
Classification: Uncertain significance for Inborn genetic diseases. Last evaluated: 2017-03-10. Review status: criteria provided, single submitter. Criteria: Ambry Variant Classification Scheme 2023. Collection method: clinical testing. Allele origin: germline.
Comment: The p.R129W variant (also known as c.385C>T), located in coding exon 1 of the CLN8 gene, results from a C to T substitution at nucleotide position 385. The arginine at codon 129 is replaced by tryptophan, an amino acid with dissimilar properties. This amino acid position is not well conserved in available vertebrate species. In addition, this alteration is predicted to be tolerated by in silico analysis. Since supporting evidence is limited at this time, the clinical significance of this alteration remains unclear.

Eurofins Ntd Llc (ga)
Classification: Uncertain significance. Last evaluated: 2014-07-28. Review status: criteria provided, single submitter. Criteria: EGL Classification Definitions 2015. Collection method: clinical testing. Allele origin: germline. Observed: 2 variant alleles, 2 heterozygotes.

Natera, Inc.
Classification: Uncertain significance for Neuronal ceroid lipofuscinosis 8. Last evaluated: 2020-02-28. Review status: no assertion criteria provided. Collection method: clinical testing. Allele origin: germline. Not counted in ClinVar's aggregate classification.